The following is an entry in ClinVar:

NM_000532.5(PCCB):c.173A>C (p.Gln58Pro)

Gene: PCCB (propionyl-CoA carboxylase subunit beta; plus strand). Cytogenetic location: 3q22.3.
Variant type: single nucleotide variant.
Coding change: c.173A>C on transcript NM_000532.5 (MANE Select); coding-DNA position 173, A replaced by C.
Protein change: p.Gln58Pro; replaces glutamine 58 with proline.
Molecular consequence: missense variant.
Genome position (GRCh38, 1-based): chr3:136,250,548, A>C. VCF-style: chr3-136250548-A-C. GRCh37 (hg19) VCF-style: chr3-135969390-A-C.
Other names: c.173A>C, p.Gln58Pro (NM_001178014.2); short protein forms Q58P.
Identifiers: ClinVar variation 3026524 (VCV003026524.23), dbSNP rs763949276, ClinGen allele CA2631595.

ClinVar aggregate classification (germline): Likely pathogenic. Review status: criteria provided, multiple submitters, no conflicts (2 of 4 stars). 2 submissions from 2 submitters: Likely pathogenic (2). Last evaluated 2024-02-01.

Conditions:
Propionic acidemia (PROP). Also called: GLYCINEMIA, KETOTIC; HYPERGLYCINEMIA WITH KETOACIDOSIS AND LEUKOPENIA; KETOTIC HYPERGLYCINEMIA. Identifiers: Orphanet 35, MedGen C0268579, MONDO:0011628, OMIM 606054, HP:0003571.

Allele frequency attached by ClinVar (database versions not stated): ExAC 0.00001.

Submissions (2):

CeGaT Center for Human Genetics Tuebingen
Classification: Likely pathogenic. Last evaluated: 2024-02-01. Review status: criteria provided, single submitter. Criteria: CeGaT Center For Human Genetics Tuebingen Variant Classification Criteria Version 2. Collection method: clinical testing. Allele origin: germline. Affected: yes. Observed: 1 variant allele.
Comment: PCCB: PM2, PM3, PP4, PS3:Supporting

Juno Genomics, Hangzhou Juno Genomics, Inc
Classification: Likely pathogenic for Propionic acidemia. Review status: criteria provided, single submitter. Criteria: ACMG Guidelines, 2015. Collection method: clinical testing. Allele origin: germline.
Comment: Absent from controls (or at extremely low frequency if recessive) in Genome Aggregation Database.;Multiple lines of computational evidence support a deleterious effect on the gene or gene product.;For recessive disorders, detected in trans with a pathogenic variant.